The following is an entry in ClinVar:

NM_012233.3(RAB3GAP1):c.2389del (p.Ser797fs)

Gene: RAB3GAP1 (RAB3 GTPase activating protein catalytic subunit 1; plus strand). Cytogenetic location: 2q21.3.
Variant type: Deletion.
Coding change: c.2389del on transcript NM_012233.3 (MANE Select); coding-DNA position 2389, one base deleted (A; older notation c.2389delA).
Protein change: p.Ser797fs; shifts the reading frame from serine 797.
Molecular consequence: frameshift variant.
Genome position (GRCh38, 1-based): chr2:135,162,750, A deleted; the last of 3 consecutive A bases (chr2:135,162,748-135,162,750); deleting any one gives the same sequence. VCF-style (leftmost placement, unchanged base first): chr2-135162747-GA-G. GRCh37 (hg19) VCF-style: chr2-135920317-GA-G.
Other names: c.2389delA (NM_012233.3); c.2389del, p.Ser797fs (NM_001172435.2); short protein forms S797fs.
Identifiers: ClinVar variation 4845893 (VCV004845893.1).

ClinVar aggregate classification (germline): Likely pathogenic (1 of 4 stars; one submission).

Conditions:
Martsolf syndrome 2. Identifiers: MedGen C5543626, MONDO:0030376, OMIM 619420.
Warburg micro syndrome 1 (WARBM1). Identifiers: Orphanet 2510, MedGen C1838625, MONDO:0010822, OMIM 600118.

Submission:

First Genomix Gene Laboratory, Genetic Diagnostics Department
Classification: Likely pathogenic for Martsolf syndrome 2; Warburg micro syndrome 1. Last evaluated: 2025-05-08. Review status: criteria provided, single submitter. Criteria: ACMG Guidelines, 2015. Collection method: clinical testing. Allele origin: germline. Inheritance: Autosomal recessive inheritance. Affected: no. Observed: 1 variant allele.